The following is an entry in ClinVar:

NM_002299.4(LCT):c.3395A>G (p.Lys1132Arg)

Gene: LCT (lactase; minus strand). Cytogenetic location: 2q21.3.
Variant type: single nucleotide variant.
Coding change: c.3395A>G on transcript NM_002299.4 (MANE Select); coding-DNA position 3395, A replaced by G.
Protein change: p.Lys1132Arg; replaces lysine 1132 with arginine.
Molecular consequence: missense variant.
Genome position (GRCh38, 1-based): chr2:135,808,952, T>C on the plus strand (A>G on the coding strand, the complement: LCT is on the minus strand). VCF-style: chr2-135808952-T-C. GRCh37 (hg19) VCF-style: chr2-136566522-T-C.
Other names: short protein forms K1132R.
Identifiers: ClinVar variation 1391180 (VCV001391180.6), dbSNP rs149657775, ClinGen allele CA1888070.
Genomic context (GRCh38, chr2:135,808,952, plus strand): 5'-CCCAGGGAGAACTGCAGCATTCGGTCAGCGGCTTCCACATCTCTGGGGACCCCTGGTGAC[T>C]TGGGCTCTGCCCAGTGTGTACTGAGGCTCAGCGAGATGACCCCCTTCTGCTCCTGCCTGT-3'
Protein context (NP_002290.2, residues 1122-1142): LSLSTHWAEP[Lys1132Arg]SPGVPRDVEA

ClinVar aggregate classification (germline): Uncertain significance (1 of 4 stars; one submission).

Allele frequency attached by ClinVar (database versions not stated): TOPMed below 0.00001; ExAC 0.00001; gnomAD 0.00001; gnomAD exomes 0.00001; ESP Exome Variant Server 0.00008.
gnomAD v4.1: 8 of 1,613,934 alleles (0.0005%); highest among the groups gnomAD compares: Admixed American, 0.0017%; no homozygotes.

Submission:

Labcorp Genetics (formerly Invitae), Labcorp
Classification: Uncertain significance. Last evaluated: 2021-11-04. Review status: criteria provided, single submitter. Criteria: Invitae Variant Classification Sherloc (09022015). Collection method: clinical testing. Allele origin: germline.
Comment: This sequence change replaces lysine, which is basic and polar, with arginine, which is basic and polar, at codon 1132 of the LCT protein (p.Lys1132Arg). This variant is present in population databases (rs149657775, gnomAD 0.003%). This variant has not been reported in the literature in individuals affected with LCT-related conditions. Algorithms developed to predict the effect of missense changes on protein structure and function output the following: SIFT: "Not Available"; PolyPhen-2: "Benign"; Align-GVGD: "Not Available". The arginine amino acid residue is found in multiple mammalian species, which suggests that this missense change does not adversely affect protein function. In summary, the available evidence is currently insufficient to determine the role of this variant in disease. Therefore, it has been classified as a Variant of Uncertain Significance.